The following is an entry in ClinVar:

ClinVar aggregate classification (germline): Uncertain significance (1 of 4 stars; one submission).

Conditions:
Jeune thoracic dystrophy. Also called: Jeune syndrome; Infantile thoracic dystrophy; Thoracic pelvic phalangeal dystrophy; Jeune's syndrome; Chondroectodermal dysplasia-like syndrome; Short-rib thoracic dysplasia. Identifiers: Orphanet 474, MedGen C0265275, MONDO:0018770.
Nephronophthisis. Also called: Juvenile Nephronophthisis. Identifiers: Orphanet 655, MedGen C0687120, MONDO:0019005, HP:0000090.

Submission:

Labcorp Genetics (formerly Invitae), Labcorp
Classification: Uncertain significance for Jeune thoracic dystrophy; Nephronophthisis. Last evaluated: 2022-06-14. Review status: criteria provided, single submitter. Criteria: Invitae Variant Classification Sherloc (09022015). Collection method: clinical testing. Allele origin: germline.
Comment: In summary, the available evidence is currently insufficient to determine the role of this variant in disease. Therefore, it has been classified as a Variant of Uncertain Significance. Algorithms developed to predict the effect of sequence changes on RNA splicing suggest that this variant may disrupt the consensus splice site. This variant has not been reported in the literature in individuals affected with TTC21B-related conditions. This variant is not present in population databases (gnomAD no frequency). This sequence change falls in intron 25 of the TTC21B gene. It does not directly change the encoded amino acid sequence of the TTC21B protein.

NM_024753.5(TTC21B):c.3460-5del

Gene: TTC21B (tetratricopeptide repeat domain 21B; minus strand). Cytogenetic location: 2q24.3.
Variant type: Deletion.
Coding change: c.3460-5del on transcript NM_024753.5 (MANE Select); 5 bases into the intron before coding-DNA position 3460, one base deleted (T; older notation c.3460-5delT).
Molecular consequence: intron variant.
Genome position (GRCh38, 1-based): chr2:165,884,023, A deleted on the plus strand (T on the coding strand, the reverse complement: TTC21B is on the minus strand); the first of 2 consecutive A bases (chr2:165,884,023-165,884,024); deleting either gives the same sequence. VCF-style (leftmost placement, unchanged base first): chr2-165884022-TA-T. GRCh37 (hg19) VCF-style: chr2-166740532-TA-T.
Identifiers: ClinVar variation 1985765 (VCV001985765.4), dbSNP rs2468110124, ClinGen allele CA2580064252.
Genomic context (GRCh38, chr2:165,884,022, plus strand): 5'-CTGTTTCAAGATCATATAAGCCGTTGCCATTCCCAAGAGCGCTGGGATATGCTCCTTCTA[TA>T]AGAAAACAAAATTTTAGACCATAAGATGCATAAACATAAATGCCCCAAAAACATACAGAA-3'